The following is an entry in ClinVar:

ClinVar aggregate classification (germline): Pathogenic. Review status: reviewed by expert panel (3 of 4 stars). 4 submissions from 4 submitters: Pathogenic (1). 3 of the submissions do not count toward it. Last evaluated 2019-03-11.

Conditions:
Cystic fibrosis (CF). Also called: MUCOVISCIDOSIS. Identifiers: Orphanet 586, MedGen C0010674, MONDO:0009061, OMIM 219700. Disease mechanism: loss of function.

Allele frequency attached by ClinVar (database versions not stated): gnomAD exomes 0.00002.
gnomAD v4.1: 13 of 1,613,610 alleles (0.00081%); highest among the groups gnomAD compares: Non-Finnish European, 0.0011%; no homozygotes.

Submissions (4):

CFTR2
Classification: Pathogenic for Cystic fibrosis. Last evaluated: 2019-03-11. Review status: reviewed by expert panel. Criteria: Sosnay PR et al. (Nat Genet 2013). Collection method: research. Allele origin: germline. Affected: yes.

Women's Health and Genetics/Laboratory Corporation of America, LabCorp
Classification: Pathogenic for Cystic fibrosis. Last evaluated: 2025-02-17. Review status: criteria provided, single submitter. Criteria: LabCorp Variant Classification Summary - May 2015. Collection method: clinical testing. Allele origin: germline. Not counted in ClinVar's aggregate classification.
Comment: Variant summary: CFTR c.3806T>A (p.Ile1269Asn) results in a non-conservative amino acid change in the encoded protein sequence. Five of five in-silico tools predict a damaging effect of the variant on protein function. The variant was absent in 250946 control chromosomes. c.3806T>A has been reported in the literature in multiple individuals affected with Cystic Fibrosis (example, Masica_2015). These data indicate that the variant is very likely to be associated with disease. At least one publication reports experimental evidence evaluating an impact on protein function.The most pronounced variant effect resulted in approximately (Gt channel conductance) 7% of normal chloride channel conductance relative to wild type (e.g., Bihler_2024). The following publications have been ascertained in the context of this evaluation (PMID: 38388235, 25489051). ClinVar contains an entry for this variant (Variation ID: 634832). Based on the evidence outlined above, the variant was classified as pathogenic.

Labcorp Genetics (formerly Invitae), Labcorp
Classification: Pathogenic for Cystic fibrosis. Last evaluated: 2024-03-03. Review status: criteria provided, single submitter. Criteria: Invitae Variant Classification Sherloc (09022015). Collection method: clinical testing. Allele origin: germline. Not counted in ClinVar's aggregate classification.
Comment: This sequence change replaces isoleucine, which is neutral and non-polar, with asparagine, which is neutral and polar, at codon 1269 of the CFTR protein (p.Ile1269Asn). This variant is not present in population databases (gnomAD no frequency). This missense change has been observed in individuals with cystic fibrosis (PMID: 23974870). ClinVar contains an entry for this variant (Variation ID: 634832). Advanced modeling of protein sequence and biophysical properties (such as structural, functional, and spatial information, amino acid conservation, physicochemical variation, residue mobility, and thermodynamic stability) performed at Invitae indicates that this missense variant is expected to disrupt CFTR protein function with a positive predictive value of 80%. For these reasons, this variant has been classified as Pathogenic.

Natera, Inc.
Classification: Pathogenic for Cystic Fibrosis. Last evaluated: 2020-09-16. Review status: no assertion criteria provided. Collection method: clinical testing. Allele origin: germline. Not counted in ClinVar's aggregate classification.

Literature cited by the submitters: PubMed 25489051 (cited by Women's Health and Genetics/Laboratory Corporation of America, LabCorp); PubMed 38388235 (cited by Women's Health and Genetics/Laboratory Corporation of America, LabCorp); PubMed 23974870 (cited by Labcorp Genetics (formerly Invitae), Labcorp).

NM_000492.4(CFTR):c.3806T>A (p.Ile1269Asn)

Genes: CFTR (CF transmembrane conductance regulator; plus strand), CFTR-AS2 (CFTR antisense RNA 2; minus strand). Cytogenetic location: 7q31.2.
Variant type: single nucleotide variant.
Coding change: c.3806T>A on transcript NM_000492.4 (MANE Select); coding-DNA position 3806, T replaced by A.
Protein change: p.Ile1269Asn; replaces isoleucine 1269 with asparagine.
Molecular consequence: missense variant.
Genome position (GRCh38, 1-based): chr7:117,642,526, T>A. VCF-style: chr7-117642526-T-A. GRCh37 (hg19) VCF-style: chr7-117282580-T-A.
Other names: short protein forms I1269N.
Identifiers: ClinVar variation 634832 (VCV000634832.11), dbSNP rs1562923253, ClinGen allele CA368975073.